The following is an entry in ClinVar:

ClinVar aggregate classification (germline): Uncertain significance (1 of 4 stars; one submission).

Allele frequency attached by ClinVar (database versions not stated): TOPMed 0.00002.
gnomAD v4.1: 22 of 1,538,270 alleles (0.0014%); highest among the groups gnomAD compares: Non-Finnish European, 0.0019%; no homozygotes.

Submissions (2):

Labcorp Genetics (formerly Invitae), Labcorp
Classification: Uncertain significance. Last evaluated: 2022-08-16. Review status: criteria provided, single submitter. Criteria: Invitae Variant Classification Sherloc (09022015). Collection method: clinical testing. Allele origin: germline.
Comment: This variant is present in population databases (rs764747505, gnomAD 0.002%). This sequence change falls in intron 11 of the ORC4 gene. It does not directly change the encoded amino acid sequence of the ORC4 protein. It affects a nucleotide within the consensus splice site. This variant has not been reported in the literature in individuals affected with ORC4-related conditions. Variants that disrupt the consensus splice site are a relatively common cause of aberrant splicing (PMID: 17576681, 9536098). Algorithms developed to predict the effect of sequence changes on RNA splicing suggest that this variant is not likely to affect RNA splicing. In summary, the available evidence is currently insufficient to determine the role of this variant in disease. Therefore, it has been classified as a Variant of Uncertain Significance.

Dr. Peter K. Rogan Lab, Western University
No classification provided (evidence only). Condition: Cervical cancer. Review status: no classification provided. Collection method: in vitro. Allele origin: not applicable. Functional consequence: retained intron. Not counted in ClinVar's aggregate classification.

Literature cited by the submitters: PubMed 17576681 (cited by Labcorp Genetics (formerly Invitae), Labcorp); PubMed 9536098 (cited by Labcorp Genetics (formerly Invitae), Labcorp).

NM_181741.4(ORC4):c.958+5G>T

Gene: ORC4 (origin recognition complex subunit 4; minus strand). Cytogenetic location: 2q23.1.
Variant type: single nucleotide variant.
Coding change: c.958+5G>T on transcript NM_181741.4 (MANE Select); 5 bases into the intron after coding-DNA position 958, G replaced by T.
Molecular consequence: intron variant.
Genome position (GRCh38, 1-based): chr2:147,939,135, C>A on the plus strand (G>T on the coding strand, the complement: ORC4 is on the minus strand). VCF-style: chr2-147939135-C-A. GRCh37 (hg19) VCF-style: chr2-148696704-C-A.
Other names: c.958+5G>T (NM_181742.4, NM_001190879.3, NM_002552.5 and 1 more transcripts); c.706+5G>T (NM_001190881.3, NM_001374272.1); c.736+5G>T (NM_001190882.3).
Identifiers: ClinVar variation 2171600 (VCV002171600.5), dbSNP rs764747505, ClinGen allele CA1899447.